The following is an entry in ClinVar:

NM_004519.4(KCNQ3):c.223G>A (p.Asp75Asn)

Gene: KCNQ3 (potassium voltage-gated channel subfamily Q member 3; minus strand). Cytogenetic location: 8q24.22.
Variant type: single nucleotide variant.
Coding change: c.223G>A on transcript NM_004519.4 (MANE Select); coding-DNA position 223, G replaced by A.
Protein change: p.Asp75Asn; replaces aspartic acid 75 with asparagine.
Molecular consequence: missense variant.
Genome position (GRCh38, 1-based): chr8:132,480,310, C>T on the plus strand (G>A on the coding strand, the complement: KCNQ3 is on the minus strand). VCF-style: chr8-132480310-C-T. GRCh37 (hg19) VCF-style: chr8-133492557-C-T.
Other names: short protein forms D75N.
Identifiers: ClinVar variation 4056917 (VCV004056917.1).

ClinVar aggregate classification (germline): Uncertain significance (1 of 4 stars; one submission).

gnomAD v4.1: 1 of 1,601,644 alleles (0.000062%); highest among the groups gnomAD compares: Non-Finnish European, 0.000085%; no homozygotes.

Submission:

GeneDx
Classification: Uncertain significance. Last evaluated: 2025-01-10. Review status: criteria provided, single submitter. Criteria: GeneDx Variant Classification Process June 2021. Collection method: clinical testing. Allele origin: germline. Affected: yes.
Comment: Not observed at significant frequency in large population cohorts (gnomAD); In silico analysis indicates that this missense variant does not alter protein structure/function; Has not been previously published as pathogenic or benign to our knowledge